The following is an entry in ClinVar:

ClinVar aggregate classification (germline): Uncertain significance (1 of 4 stars; one submission).

Conditions:
Autosomal dominant nocturnal frontal lobe epilepsy 5. Also called: CILIARY DYSKINESIA, PRIMARY, 28, WITHOUT SITUS INVERSUS; KCNT1-Related Epilepsy; CILIARY DYSKINESIA, PRIMARY, 28, WITH SITUS INVERSUS; Epilepsy, nocturnal frontal lobe, 5. Identifiers: Orphanet 98784, MedGen C3554306, MONDO:0014002, OMIM 615005.
Developmental and epileptic encephalopathy, 14 (DEE14). Also called: Early infantile epileptic encephalopathy 14. Identifiers: Orphanet 293181, MedGen C3554195, MONDO:0013989, OMIM 614959.

Submission:

Labcorp Genetics (formerly Invitae), Labcorp
Classification: Uncertain significance for Autosomal dominant nocturnal frontal lobe epilepsy 5; Developmental and epileptic encephalopathy, 14. Last evaluated: 2023-03-17. Review status: criteria provided, single submitter. Criteria: Invitae Variant Classification Sherloc (09022015). Collection method: clinical testing. Allele origin: germline.
Comment: In summary, the available evidence is currently insufficient to determine the role of this variant in disease. Therefore, it has been classified as a Variant of Uncertain Significance. ClinVar contains an entry for this variant (Variation ID: 845198). This variant has not been reported in the literature in individuals affected with KCNT1-related conditions. This variant is not present in population databases (gnomAD no frequency). This variant results in the deletion of part of exon 2 (c.195_254+851del) of the KCNT1 gene. It is expected to disrupt RNA splicing. Variants that disrupt the donor or acceptor splice site typically lead to a loss of protein function (PMID: 16199547), however the current clinical and genetic evidence is not sufficient to establish whether loss-of-function variants in KCNT1 cause disease.

Literature cited by the submitters: PubMed 16199547.

NM_020822.3(KCNT1):c.195_254+851del

Gene: KCNT1 (potassium sodium-activated channel subfamily T member 1; plus strand). Cytogenetic location: 9q34.3.
Variant type: Deletion.
Coding change: c.195_254+851del on transcript NM_020822.3 (MANE Select); coding-DNA position 195 through 851 bases into the intron after coding-DNA position 254, 911 bases deleted.
Molecular consequence: splice donor variant. On other transcripts: intron variant (1).
Genome position (GRCh38, 1-based): chr9:135,714,661-135,715,571, 911 bases deleted. GRCh37 (hg19): chr9:138,606,507-138,607,417.
Other names: c.110+12293_110+13203del (NM_001272003.2).
Identifiers: ClinVar variation 845198 (VCV000845198.3), dbSNP rs1835645943, ClinGen allele CA916083087.